The following is an entry in ClinVar:

ClinVar aggregate classification (germline): Likely benign. Review status: criteria provided, multiple submitters, no conflicts (2 of 4 stars). 2 submissions from 2 submitters: Likely benign (2). Last evaluated 2026-01-26.

Conditions:
TH-deficient dopa-responsive dystonia. Also called: DYT-TH; Segawa syndrome, autosomal recessive; Tyrosine Hydroxylase-Deficient Dopa-Responsive Dystonia. Identifiers: Orphanet 101150, MedGen C2673535, MONDO:0011551, OMIM 605407.

Allele frequency attached by ClinVar (database versions not stated): TOPMed 0.00001.
gnomAD v4.1: 12 of 1,604,926 alleles (0.00075%); highest among the groups gnomAD compares: Admixed American, 0.012%; no homozygotes.

Submissions (2):

Labcorp Genetics (formerly Invitae), Labcorp
Classification: Likely benign for TH-deficient dopa-responsive dystonia. Last evaluated: 2026-01-26. Review status: criteria provided, single submitter. Criteria: Invitae Variant Classification Sherloc (09022015). Collection method: clinical testing. Allele origin: germline.

CeGaT Center for Human Genetics Tuebingen
Classification: Likely benign. Last evaluated: 2025-11-01. Review status: criteria provided, single submitter. Criteria: CeGaT Center For Human Genetics Tuebingen Variant Classification Criteria Version 2. Collection method: clinical testing. Allele origin: germline. Affected: yes. Observed: 1 variant allele.
Comment: TH: BP4, BP7

NM_000360.4(TH):c.822C>T (p.Asp274=)

Gene: TH (tyrosine hydroxylase; minus strand). Cytogenetic location: 11p15.5.
Variant type: single nucleotide variant.
Coding change: c.822C>T on transcript NM_000360.4 (MANE Select); coding-DNA position 822, C replaced by T.
Protein change: p.Asp274=; no amino-acid change (aspartic acid 274 retained).
Molecular consequence: synonymous variant.
Genome position (GRCh38, 1-based): chr11:2,166,906, G>A on the plus strand (C>T on the coding strand, the complement: TH is on the minus strand). VCF-style: chr11-2166906-G-A. GRCh37 (hg19) VCF-style: chr11-2188136-G-A.
Other names: c.915C>T, p.Asp305= (NM_199292.3); c.903C>T, p.Asp301= (NM_199293.3).
Identifiers: ClinVar variation 1098929 (VCV001098929.15), dbSNP rs776737582, ClinGen allele CA5818479.
Genomic context (GRCh38, chr11:2,166,906, plus strand): 5'-CCCCGGCCCCCCGGCTCTGCGCCCCTCCCGTCTGGGCACACCCTTCAGGAAGCGGGAGAC[G>A]TCCTCCAGCTGGGGGATATTGTCTTCCCGGTAGCCGCTGAAGCGCTCCAGCAAAGCAAAG-3'
Protein context (NP_000351.2, residues 264-284): YREDNIPQLE[Asp274=]VSRFLKERTG